The following is an entry in ClinVar:

NM_182961.4(SYNE1):c.12743T>C (p.Val4248Ala)

Gene: SYNE1 (spectrin repeat containing nuclear envelope protein 1; minus strand). Cytogenetic location: 6q25.2.
Variant type: single nucleotide variant.
Coding change: c.12743T>C on transcript NM_182961.4 (MANE Select); coding-DNA position 12743, T replaced by C.
Protein change: p.Val4248Ala; replaces valine 4248 with alanine.
Molecular consequence: missense variant.
Genome position (GRCh38, 1-based): chr6:152,334,059, A>G on the plus strand (T>C on the coding strand, the complement: SYNE1 is on the minus strand). VCF-style: chr6-152334059-A-G. GRCh37 (hg19) VCF-style: chr6-152655194-A-G.
Other names: c.12530T>C, p.Val4177Ala (NM_033071.5); short protein forms V4177A, V4248A.
Identifiers: ClinVar variation 2038522 (VCV002038522.4), dbSNP rs1563150216, ClinGen allele CA366105646.

ClinVar aggregate classification (germline): Uncertain significance (1 of 4 stars; one submission).

Conditions:
Emery-Dreifuss muscular dystrophy 4, autosomal dominant (EDMD4). Also called: EMERY-DREIFUSS MUSCULAR DYSTROPHY 4 WITH VARIABLE FEATURES. Identifiers: Orphanet 261, MedGen C2751807, MONDO:0013071, OMIM 612998.
Autosomal recessive ataxia, Beauce type. Also called: SYNE1 Deficiency; Spinocerebellar ataxia, autosomal recessive 8; ATAXIA, RECESSIVE, OF BEAUCE; SYNE1-Related Autosomal Recessive Cerebellar Ataxia. Identifiers: Orphanet 88644, MedGen C1853116, MONDO:0012549, OMIM 610743.

Allele frequency attached by ClinVar (database versions not stated): gnomAD exomes below 0.00001.
gnomAD v4.1: 3 of 1,614,214 alleles (0.00019%); highest among the groups gnomAD compares: Non-Finnish European, 0.00025%; no homozygotes.

Submission:

Labcorp Genetics (formerly Invitae), Labcorp
Classification: Uncertain significance for Emery-Dreifuss muscular dystrophy 4, autosomal dominant; Autosomal recessive ataxia, Beauce type. Last evaluated: 2022-07-19. Review status: criteria provided, single submitter. Criteria: Invitae Variant Classification Sherloc (09022015). Collection method: clinical testing. Allele origin: germline.
Comment: In summary, the available evidence is currently insufficient to determine the role of this variant in disease. Therefore, it has been classified as a Variant of Uncertain Significance. Algorithms developed to predict the effect of missense changes on protein structure and function output the following: SIFT: "Deleterious"; PolyPhen-2: "Benign"; Align-GVGD: "Class C25". The alanine amino acid residue is found in multiple mammalian species, which suggests that this missense change does not adversely affect protein function. This variant has not been reported in the literature in individuals affected with SYNE1-related conditions. This variant is not present in population databases (gnomAD no frequency). This sequence change replaces valine, which is neutral and non-polar, with alanine, which is neutral and non-polar, at codon 4177 of the SYNE1 protein (p.Val4177Ala).